The following is an entry in ClinVar:

NM_001330360.2(POLA1):c.3289A>G (p.Thr1097Ala)

Gene: POLA1 (DNA polymerase alpha 1, catalytic subunit; plus strand). Cytogenetic location: Xp22.11.
Variant type: single nucleotide variant.
Coding change: c.3289A>G on transcript NM_001330360.2 (MANE Select); coding-DNA position 3289, A replaced by G.
Protein change: p.Thr1097Ala; replaces threonine 1097 with alanine.
Molecular consequence: missense variant. On other transcripts: non-coding transcript variant (2).
Genome position (GRCh38, 1-based): chrX:24,812,856, A>G. VCF-style: chrX-24812856-A-G. GRCh37 (hg19) VCF-style: chrX-24830973-A-G.
Other names: c.3214A>G, p.Thr1072Ala (NM_001378303.1); c.3271A>G, p.Thr1091Ala (NM_016937.4); short protein forms T1072A, T1091A, T1097A.
Identifiers: ClinVar variation 1698523 (VCV001698523.2), dbSNP rs2148498834, ClinGen allele CA412525608.

ClinVar aggregate classification (germline): Uncertain significance. Review status: criteria provided, multiple submitters, no conflicts (2 of 4 stars). 2 submissions from 2 submitters: Uncertain significance (2). Last evaluated 2025-12-01.

Submissions (2):

Labcorp Genetics (formerly Invitae), Labcorp
Classification: Uncertain significance. Last evaluated: 2025-12-01. Review status: criteria provided, single submitter. Criteria: Invitae Variant Classification Sherloc (09022015). Collection method: clinical testing. Allele origin: germline.
Comment: This sequence change replaces threonine, which is neutral and polar, with alanine, which is neutral and non-polar, at codon 1091 of the POLA1 protein (p.Thr1091Ala). This variant is not present in population databases (gnomAD no frequency). This variant has not been reported in the literature in individuals affected with POLA1-related conditions. ClinVar contains an entry for this variant (Variation ID: 1698523). Invitae Evidence Modeling of protein sequence and biophysical properties (such as structural, functional, and spatial information, amino acid conservation, physicochemical variation, residue mobility, and thermodynamic stability) indicates that this missense variant is not expected to disrupt POLA1 protein function with a negative predictive value of 80%. In summary, the available evidence is currently insufficient to determine the role of this variant in disease. Therefore, it has been classified as a Variant of Uncertain Significance.

Women's Health and Genetics/Laboratory Corporation of America, LabCorp
Classification: Uncertain significance. Last evaluated: 2022-06-08. Review status: criteria provided, single submitter. Criteria: LabCorp Variant Classification Summary - May 2015. Collection method: clinical testing. Allele origin: germline.
Comment: Variant summary: POLA1 c.3271A>G (p.Thr1091Ala) results in a non-conservative amino acid change located in the DNA-directed DNA polymerase, family B, multifunctional domain (IPR006134) of the encoded protein sequence. Three of five in-silico tools predict a benign effect of the variant on protein function. The variant was absent in 174484 control chromosomes. The available data on variant occurrences in the general population are insufficient to allow any conclusion about variant significance. To our knowledge, no occurrence of c.3271A>G in individuals affected with X-Linked Intellectual Disability, Van Esch Type and no experimental evidence demonstrating its impact on protein function have been reported. No clinical diagnostic laboratories have submitted clinical-significance assessments for this variant to ClinVar after 2014. Based on the evidence outlined above, the variant was classified as uncertain significance.